The following is an entry in ClinVar:

NM_001170629.2(CHD8):c.5051+4A>G

Gene: CHD8 (chromodomain helicase DNA binding protein 8; minus strand). Cytogenetic location: 14q11.2.
Variant type: single nucleotide variant.
Coding change: c.5051+4A>G on transcript NM_001170629.2 (MANE Select); 4 bases into the intron after coding-DNA position 5051, A replaced by G.
Molecular consequence: intron variant.
Genome position (GRCh38, 1-based): chr14:21,397,819, T>C on the plus strand (A>G on the coding strand, the complement: CHD8 is on the minus strand). VCF-style: chr14-21397819-T-C. GRCh37 (hg19) VCF-style: chr14-21865978-T-C.
Other names: c.4214+4A>G (NM_020920.4).
Identifiers: ClinVar variation 1676469 (VCV001676469.5), dbSNP rs2139456918, ClinGen allele CA2573149736.

ClinVar aggregate classification (germline): Uncertain significance. Review status: criteria provided, multiple submitters, no conflicts (2 of 4 stars). 2 submissions from 2 submitters: Uncertain significance (2). Last evaluated 2024-10-23.

Submissions (2):

Labcorp Genetics (formerly Invitae), Labcorp
Classification: Uncertain significance. Last evaluated: 2024-10-23. Review status: criteria provided, single submitter. Criteria: Invitae Variant Classification Sherloc (09022015). Collection method: clinical testing. Allele origin: germline.
Comment: This sequence change falls in intron 26 of the CHD8 gene. It does not directly change the encoded amino acid sequence of the CHD8 protein. It affects a nucleotide within the consensus splice site. This variant is not present in population databases (gnomAD no frequency). This variant has not been reported in the literature in individuals affected with CHD8-related conditions. ClinVar contains an entry for this variant (Variation ID: 1676469). Variants that disrupt the consensus splice site are a relatively common cause of aberrant splicing (PMID: 17576681, 9536098). Algorithms developed to predict the effect of sequence changes on RNA splicing suggest that this variant is not likely to affect RNA splicing. In summary, the available evidence is currently insufficient to determine the role of this variant in disease. Therefore, it has been classified as a Variant of Uncertain Significance.

Greenwood Genetic Center Diagnostic Laboratories, Greenwood Genetic Center
Classification: Uncertain significance. Last evaluated: 2022-03-08. Review status: criteria provided, single submitter. Criteria: ACMG Guidelines, 2015. Collection method: clinical testing. Allele origin: germline. Affected: yes.
Comment: PM2, PP3

Literature cited by the submitters: PubMed 17576681 (cited by Labcorp Genetics (formerly Invitae), Labcorp); PubMed 9536098 (cited by Labcorp Genetics (formerly Invitae), Labcorp).